The following is an entry in ClinVar:

ClinVar aggregate classification (germline): Uncertain significance (1 of 4 stars; one submission).

Conditions:
Arthrogryposis, distal, type 1A. Also called: ARTHROGRYPOSIS MULTIPLEX CONGENITA, DISTAL, TYPE I. Identifiers: Orphanet 1146, MedGen C6022280, MONDO:0007157, OMIM 108120.

Submission:

Labcorp Genetics (formerly Invitae), Labcorp
Classification: Uncertain significance for Arthrogryposis, distal, type 1A. Last evaluated: 2025-06-08. Review status: criteria provided, single submitter. Criteria: Invitae Variant Classification Sherloc (09022015). Collection method: clinical testing. Allele origin: germline.
Comment: This sequence change replaces arginine, which is basic and polar, with cysteine, which is neutral and slightly polar, at codon 160 of the TPM2 protein (p.Arg160Cys). This variant is not present in population databases (gnomAD no frequency). This variant has not been reported in the literature in individuals affected with TPM2-related conditions. Invitae Evidence Modeling of protein sequence and biophysical properties (such as structural, functional, and spatial information, amino acid conservation, physicochemical variation, residue mobility, and thermodynamic stability) indicates that this missense variant is expected to disrupt TPM2 protein function with a positive predictive value of 80%. This variant disrupts the p.Arg160 amino acid residue in TPM2. Other variant(s) that disrupt this residue have been determined to be pathogenic (internal data). This suggests that this residue is clinically significant, and that variants that disrupt this residue are likely to be disease-causing. In summary, the available evidence is currently insufficient to determine the role of this variant in disease. Therefore, it has been classified as a Variant of Uncertain Significance.

NM_003289.4(TPM2):c.478C>T (p.Arg160Cys)

Gene: TPM2 (tropomyosin 2; minus strand). Cytogenetic location: 9p13.3.
Variant type: single nucleotide variant.
Coding change: c.478C>T on transcript NM_003289.4 (MANE Select); coding-DNA position 478, C replaced by T.
Protein change: p.Arg160Cys; replaces arginine 160 with cysteine.
Molecular consequence: missense variant.
Genome position (GRCh38, 1-based): chr9:35,685,448, G>A on the plus strand (C>T on the coding strand, the complement: TPM2 is on the minus strand). VCF-style: chr9-35685448-G-A. GRCh37 (hg19) VCF-style: chr9-35685445-G-A.
Other names: c.478C>T, p.Arg160Cys (NM_001301226.2, NM_001301227.2, NM_213674.1); short protein forms R160C.
Identifiers: ClinVar variation 4695848 (VCV004695848.1).